The following is an entry in ClinVar:

NM_002439.5(MSH3):c.583A>G (p.Thr195Ala)

Gene: MSH3 (mutS homolog 3; plus strand). Cytogenetic location: 5q14.1.
Variant type: single nucleotide variant.
Coding change: c.583A>G on transcript NM_002439.5 (MANE Select); coding-DNA position 583, A replaced by G.
Protein change: p.Thr195Ala; replaces threonine 195 with alanine.
Molecular consequence: missense variant.
Genome position (GRCh38, 1-based): chr5:80,670,100, A>G. VCF-style: chr5-80670100-A-G. GRCh37 (hg19) VCF-style: chr5-79965919-A-G.
Other names: c.583A>G (NM_002439.3); short protein forms T195A.
Identifiers: ClinVar variation 2007880 (VCV002007880.5), dbSNP rs1454994218, ClinGen allele CA360265865.

ClinVar aggregate classification (germline): Uncertain significance. Review status: criteria provided, multiple submitters, no conflicts (2 of 4 stars). 2 submissions from 2 submitters: Uncertain significance (2). Last evaluated 2024-12-22.

Conditions:
Hereditary cancer-predisposing syndrome. Also called: Tumor predisposition; Neoplastic Syndromes, Hereditary; Hereditary Cancer Syndrome; Hereditary neoplastic syndrome. Identifiers: Orphanet 140162, MedGen C0027672, MeSH D009386, MONDO:0015356.

Submissions (2):

Ambry Genetics
Classification: Uncertain significance for Hereditary cancer-predisposing syndrome. Last evaluated: 2024-12-22. Review status: criteria provided, single submitter. Criteria: Ambry Variant Classification Scheme 2023. Collection method: clinical testing. Allele origin: germline.
Comment: The p.T195A variant (also known as c.583A>G), located in coding exon 4 of the MSH3 gene, results from an A to G substitution at nucleotide position 583. The threonine at codon 195 is replaced by alanine, an amino acid with similar properties. This amino acid position is conserved. In addition, this alteration is predicted to be tolerated by in silico analysis. Based on the available evidence, the clinical significance of this variant remains unclear.

Labcorp Genetics (formerly Invitae), Labcorp
Classification: Uncertain significance. Last evaluated: 2022-04-10. Review status: criteria provided, single submitter. Criteria: Invitae Variant Classification Sherloc (09022015). Collection method: clinical testing. Allele origin: germline.
Comment: This sequence change replaces threonine, which is neutral and polar, with alanine, which is neutral and non-polar, at codon 195 of the MSH3 protein (p.Thr195Ala). In summary, the available evidence is currently insufficient to determine the role of this variant in disease. Therefore, it has been classified as a Variant of Uncertain Significance. Algorithms developed to predict the effect of missense changes on protein structure and function (SIFT, PolyPhen-2, Align-GVGD) all suggest that this variant is likely to be tolerated. This variant has not been reported in the literature in individuals affected with MSH3-related conditions. This variant is not present in population databases (gnomAD no frequency).